The following is an entry in ClinVar:

ClinVar aggregate classification (germline): Uncertain significance (1 of 4 stars; one submission).

Conditions:
Inborn genetic diseases. Identifiers: MedGen C0950123, MeSH D030342.

Submission:

Ambry Genetics
Classification: Uncertain significance for Inborn genetic diseases. Last evaluated: 2025-10-16. Review status: criteria provided, single submitter. Criteria: Ambry Variant Classification Scheme 2023. Collection method: clinical testing. Allele origin: germline.
Comment: The p.V100I variant (also known as c.298G>A), located in coding exon 3 of the BMPR2 gene, results from a G to A substitution at nucleotide position 298. The valine at codon 100 is replaced by isoleucine, an amino acid with highly similar properties. This amino acid position is conserved. In addition, the in silico prediction for this alteration is inconclusive. Based on the available evidence, the clinical significance of this variant remains unclear.

NM_001204.7(BMPR2):c.298G>A (p.Val100Ile)

Gene: BMPR2 (bone morphogenetic protein receptor type 2; plus strand). Cytogenetic location: 2q33.1.
Variant type: single nucleotide variant.
Coding change: c.298G>A on transcript NM_001204.7 (MANE Select); coding-DNA position 298, G replaced by A.
Protein change: p.Val100Ile; replaces valine 100 with isoleucine.
Molecular consequence: missense variant.
Genome position (GRCh38, 1-based): chr2:202,467,569, G>A. VCF-style: chr2-202467569-G-A. GRCh37 (hg19) VCF-style: chr2-203332292-G-A.
Other names: short protein forms V100I.
Identifiers: ClinVar variation 4597360 (VCV004597360.1).